The following is an entry in ClinVar:

ClinVar aggregate classification (germline): Pathogenic. Review status: reviewed by expert panel (3 of 4 stars). 2 submissions from 2 submitters: Pathogenic (1). 1 of the submissions does not count toward it. Last evaluated 2017-12-15.

Conditions:
Hereditary breast ovarian cancer syndrome. Also called: Breast and ovarian cancer; Hereditary breast and/or ovarian cancer syndrome; BRCA1- and BRCA2-Associated Hereditary Breast and Ovarian Cancer; Hereditary breast and ovarian cancer syndrome; Hereditary breast and ovarian cancer syndrome (HBOC); Hereditary breast and ovarian cancer. Identifiers: Orphanet 145, MedGen C0677776, MeSH D061325, MONDO:0003582. Disease mechanism: loss of function.
Breast-ovarian cancer, familial, susceptibility to, 1 (BROVCA1). Also called: BRCA1 Hereditary Breast and Ovarian Cancer; OVARIAN CANCER, SUSCEPTIBILITY TO. Identifiers: Orphanet 145, MedGen C2676676, MONDO:0011450, OMIM 604370. Disease mechanism: loss of function.

Submissions (2):

Evidence-based Network for the Interpretation of Germline Mutant Alleles (ENIGMA)
Classification: Pathogenic for Breast-ovarian cancer, familial, susceptibility to, 1. Last evaluated: 2017-12-15. Review status: reviewed by expert panel. Criteria: ENIGMA BRCA1/2 Classification Criteria (2017-06-29). Collection method: curation. Allele origin: germline. Study: ENIGMA.
Comment: Variant allele predicted to encode a truncated non-functional protein.

Labcorp Genetics (formerly Invitae), Labcorp
Classification: Pathogenic for Hereditary breast ovarian cancer syndrome. Last evaluated: 2022-09-15. Review status: criteria provided, single submitter. Criteria: Invitae Variant Classification Sherloc (09022015). Collection method: clinical testing. Allele origin: germline. Not counted in ClinVar's aggregate classification.
Comment: This sequence change creates a premature translational stop signal (p.Ser1217*) in the BRCA1 gene. It is expected to result in an absent or disrupted protein product. Loss-of-function variants in BRCA1 are known to be pathogenic (PMID: 20104584). This variant is not present in population databases (gnomAD no frequency). This variant has not been reported in the literature in individuals affected with BRCA1-related conditions. ClinVar contains an entry for this variant (Variation ID: 531283). For these reasons, this variant has been classified as Pathogenic.

Literature cited by the submitters: PubMed 20104584 (cited by Labcorp Genetics (formerly Invitae), Labcorp).

NM_007294.4(BRCA1):c.3648_3652del (p.Leu1216_Ser1217insTer)

Genes: BRCA1 (BRCA1 DNA repair associated; minus strand), LOC126862571 (BRD4-independent group 4 enhancer GRCh37_chr17:41243136-41244335; plus strand). Cytogenetic location: 17q21.31.
Variant type: Deletion.
Coding change: c.3648_3652del on transcript NM_007294.4 (MANE Select); coding-DNA positions 3648 to 3652, 5 bases deleted (ATCTA; older notation c.3648_3652delATCTA).
Protein change: p.Leu1216_Ser1217insTer.
Molecular consequence: frameshift variant. On other transcripts: intron variant (135).
Genome position (GRCh38, 1-based): chr17:43,091,879-43,091,883, TAGAT deleted on the plus strand (ATCTA on the coding strand, the reverse complement: BRCA1 is on the minus strand). VCF-style (leftmost placement, unchanged base first): chr17-43091878-CTAGAT-C. GRCh37 (hg19) VCF-style: chr17-41243895-CTAGAT-C.
Other names: c.3504_3508del, p.Leu1168_Ser1169insTer (NM_001407745.1, NM_001407746.1, NM_001407747.1 and 20 more transcripts); c.3507_3511del, p.Leu1169_Ser1170insTer (NM_001407750.1, NM_001407751.1, NM_001407752.1 and 29 more transcripts); c.3435_3439del, p.Leu1145_Ser1146insTer (NM_001407853.1, NM_001407894.1, NM_001407895.1 and 9 more transcripts); c.3648_3652del, p.Leu1216_Ser1217insTer (NM_001407854.1, NM_001407858.1, NM_001407859.1 and 30 more transcripts); c.3645_3649del, p.Leu1215_Ser1216insTer (NM_001407860.1, NM_001407861.1, NM_001407587.1 and 22 more transcripts); c.3447_3451del, p.Leu1149_Ser1150insTer (NM_001407862.1); c.3525_3529del, p.Leu1175_Ser1176insTer (NM_001407863.1, NM_001407919.1, NM_001407937.1 and 19 more transcripts); c.3444_3448del, p.Leu1148_Ser1149insTer (NM_001407874.1, NM_001407875.1); and 41 more.
Identifiers: ClinVar variation 531283 (VCV000531283.10), dbSNP rs1555587333, ClinGen allele CA658798841.